The following is an entry in ClinVar:

ClinVar aggregate classification (germline): Uncertain significance (1 of 4 stars; one submission).

Conditions:
Familial thoracic aortic aneurysm and aortic dissection (TAAD). Also called: Thoracic aortic aneurysms and dissections. Identifiers: Orphanet 91387, MedGen C4707243, MONDO:0019625.

Submission:

Ambry Genetics
Classification: Uncertain significance for Familial thoracic aortic aneurysm and aortic dissection. Last evaluated: 2026-04-30. Review status: criteria provided, single submitter. Criteria: Ambry Variant Classification Scheme 2023. Collection method: clinical testing. Allele origin: germline.
Comment: The p.K1488N variant (also known as c.4464A>T), located in coding exon 24 of the MYLK gene, results from an A to T substitution at nucleotide position 4464. The lysine at codon 1488 is replaced by asparagine, an amino acid with similar properties. This amino acid position is conserved. In addition, this alteration is predicted to be tolerated by in silico analysis. Based on the available evidence, the clinical significance of this variant remains unclear.

NM_053025.4(MYLK):c.4464A>T (p.Lys1488Asn)

Gene: MYLK (myosin light chain kinase; minus strand). Cytogenetic location: 3q21.1.
Variant type: single nucleotide variant.
Coding change: c.4464A>T on transcript NM_053025.4 (MANE Select); coding-DNA position 4464, A replaced by T.
Protein change: p.Lys1488Asn; replaces lysine 1488 with asparagine.
Molecular consequence: missense variant.
Genome position (GRCh38, 1-based): chr3:123,647,379, T>A on the plus strand (A>T on the coding strand, the complement: MYLK is on the minus strand). VCF-style: chr3-123647379-T-A. GRCh37 (hg19) VCF-style: chr3-123366226-T-A.
Other names: c.3936A>T, p.Lys1312Asn (NM_001321309.2); c.4257A>T, p.Lys1419Asn (NM_053026.4, NM_053028.4); c.4464A>T, p.Lys1488Asn (NM_053027.4); short protein forms K1312N, K1419N, K1488N.
Identifiers: ClinVar variation 4860619 (VCV004860619.1).
Genomic context (GRCh38, chr3:123,647,379, plus strand): 5'-CTGCCGGATATTCTCTTTCTCTTTTGCTGAATATGCCTTGAAGAACTTCCCTGCCCAGAC[T>A]TTTCGAGTTTTCTTTTCTACAAGTCGAAAGACCTGTCCAAATTTCCCACTGCAAATGAAA-3'
Protein context (NP_444253.3, residues 1478-1498): VFRLVEKKTR[Lys1488Asn]VWAGKFFKAY